The following is an entry in ClinVar:

NM_001099403.2(PRDM8):c.514G>A (p.Ala172Thr)

Genes: PRDM8 (PR/SET domain 8; plus strand), LOC126807094 (CDK7 strongly-dependent group 2 enhancer GRCh37_chr4:81121978-81123177; plus strand). Cytogenetic location: 4q21.21.
Variant type: single nucleotide variant.
Coding change: c.514G>A on transcript NM_001099403.2 (MANE Select); coding-DNA position 514, G replaced by A.
Protein change: p.Ala172Thr; replaces alanine 172 with threonine.
Molecular consequence: missense variant.
Genome position (GRCh38, 1-based): chr4:80,201,976, G>A. VCF-style: chr4-80201976-G-A. GRCh37 (hg19) VCF-style: chr4-81123130-G-A.
Other names: c.514G>A, p.Ala172Thr (NM_020226.4); short protein forms A172T.
Identifiers: ClinVar variation 1420951 (VCV001420951.8), dbSNP rs762974864, ClinGen allele CA2982266.

ClinVar aggregate classification (germline): Uncertain significance (1 of 4 stars; one submission).

Conditions:
Early-onset Lafora body disease. Also called: Epilepsy, progressive myoclonic, 10. Identifiers: Orphanet 324290, MedGen C4225258, MONDO:0014717, OMIM 616640.

Allele frequency attached by ClinVar (database versions not stated): gnomAD exomes below 0.00001 and 0.00001; ExAC 0.00001; gnomAD 0.00001; TOPMed 0.00001.

Submission:

Labcorp Genetics (formerly Invitae), Labcorp
Classification: Uncertain significance for Early-onset Lafora body disease. Last evaluated: 2021-04-28. Review status: criteria provided, single submitter. Criteria: Invitae Variant Classification Sherloc (09022015). Collection method: clinical testing. Allele origin: germline.
Comment: This variant has not been reported in the literature in individuals with PRDM8-related conditions. This sequence change replaces alanine with threonine at codon 172 of the PRDM8 protein (p.Ala172Thr). The alanine residue is highly conserved and there is a small physicochemical difference between alanine and threonine. This variant is present in population databases (rs762974864, ExAC 0.01%). Algorithms developed to predict the effect of missense changes on protein structure and function are either unavailable or do not agree on the potential impact of this missense change (SIFT: "Tolerated"; PolyPhen-2: "Probably Damaging"; Align-GVGD: "Class C0"). In summary, the available evidence is currently insufficient to determine the role of this variant in disease. Therefore, it has been classified as a Variant of Uncertain Significance.